The following is an entry in ClinVar:

NM_020297.4(ABCC9):c.2222T>C (p.Phe741Ser)

Gene: ABCC9 (ATP binding cassette subfamily C member 9; minus strand). Cytogenetic location: 12p12.1.
Variant type: single nucleotide variant.
Coding change: c.2222T>C on transcript NM_020297.4 (MANE Select); coding-DNA position 2222, T replaced by C.
Protein change: p.Phe741Ser; replaces phenylalanine 741 with serine.
Molecular consequence: missense variant.
Genome position (GRCh38, 1-based): chr12:21,864,454, A>G on the plus strand (T>C on the coding strand, the complement: ABCC9 is on the minus strand). VCF-style: chr12-21864454-A-G. GRCh37 (hg19) VCF-style: chr12-22017388-A-G.
Other names: c.2222T>C, p.Phe741Ser (NM_001377273.1, NM_005691.4); c.1358T>C, p.Phe453Ser (NM_001377274.1); c.2222T>C (NM_020297.3); short protein forms F741S, F453S.
Identifiers: ClinVar variation 581457 (VCV000581457.14), dbSNP rs146944210, ClinGen allele CA6481459.

ClinVar aggregate classification (germline): Conflicting classifications of pathogenicity. Review status: criteria provided, conflicting classifications (1 of 4 stars). 4 submissions from 4 submitters: Uncertain significance (3); Likely benign (1). Last evaluated 2025-12-15.

Conditions:
ABCC9-related disorder. Also called: ABCC9-related condition; ABCC9-related disorders.
Cardiovascular phenotype. Identifiers: MedGen CN230736.
Dilated cardiomyopathy 1O (CMD1O). Also called: CARDIOMYOPATHY, DILATED, WITH VENTRICULAR TACHYCARDIA. Identifiers: Orphanet 154, MedGen C1837839, MONDO:0012062, OMIM 608569.

Allele frequency attached by ClinVar (database versions not stated): gnomAD 0.00001; TOPMed 0.00002; gnomAD exomes 0.00004; ExAC 0.00006; ESP Exome Variant Server 0.00008.
gnomAD v4.1: 55 of 1,591,976 alleles (0.0035%); highest among the groups gnomAD compares: South Asian, 0.0033%; no homozygotes.

Submissions (4):

Labcorp Genetics (formerly Invitae), Labcorp
Classification: Uncertain significance for Dilated cardiomyopathy 1O. Last evaluated: 2025-12-15. Review status: criteria provided, single submitter. Criteria: Invitae Variant Classification Sherloc (09022015). Collection method: clinical testing. Allele origin: germline.
Comment: This sequence change replaces phenylalanine, which is neutral and non-polar, with serine, which is neutral and polar, at codon 741 of the ABCC9 protein (p.Phe741Ser). This variant is present in population databases (rs146944210, gnomAD 0.01%). This variant has not been reported in the literature in individuals affected with ABCC9-related conditions. ClinVar contains an entry for this variant (Variation ID: 581457). Invitae Evidence Modeling of protein sequence and biophysical properties (such as structural, functional, and spatial information, amino acid conservation, physicochemical variation, residue mobility, and thermodynamic stability) indicates that this missense variant is not expected to disrupt ABCC9 protein function with a negative predictive value of 95%. In summary, the available evidence is currently insufficient to determine the role of this variant in disease. Therefore, it has been classified as a Variant of Uncertain Significance.

PreventionGenetics, part of Exact Sciences
Classification: Uncertain significance for ABCC9-related condition. Last evaluated: 2025-01-05. Review status: criteria provided, single submitter. Criteria: ACMG Guidelines, 2015. Collection method: clinical testing. Allele origin: germline.
Comment: The ABCC9 c.2222T>C variant is predicted to result in the amino acid substitution p.Phe741Ser. To our knowledge, this variant has not been reported in the literature. This variant is reported in 0.014% of alleles in individuals of European (Finnish) descent in gnomAD. At this time, the clinical significance of this variant is uncertain due to the absence of conclusive functional and genetic evidence.

Ambry Genetics
Classification: Uncertain significance for Cardiovascular phenotype. Last evaluated: 2024-12-09. Review status: criteria provided, single submitter. Criteria: Ambry Variant Classification Scheme 2023. Collection method: clinical testing. Allele origin: germline.
Comment: The p.F741S variant (also known as c.2222T>C), located in coding exon 17 of the ABCC9 gene, results from a T to C substitution at nucleotide position 2222. The phenylalanine at codon 741 is replaced by serine, an amino acid with highly dissimilar properties. This amino acid position is well conserved in available vertebrate species. In addition, the in silico prediction for this alteration is inconclusive. Since supporting evidence is limited at this time, the clinical significance of this alteration remains unclear.

Blueprint Genetics
Classification: Likely benign. Last evaluated: 2023-10-30. Review status: criteria provided, single submitter. Criteria: ACMG Guidelines, 2015. Collection method: clinical testing. Allele origin: germline.